The following is an entry in ClinVar:

NM_015102.5(NPHP4):c.271T>C (p.Phe91Leu)

Gene: NPHP4 (nephrocystin 4; minus strand). Cytogenetic location: 1p36.31.
Variant type: single nucleotide variant.
Coding change: c.271T>C on transcript NM_015102.5 (MANE Select); coding-DNA position 271, T replaced by C.
Protein change: p.Phe91Leu; replaces phenylalanine 91 with leucine.
Molecular consequence: missense variant. On other transcripts: 5 prime UTR variant (1), non-coding transcript variant (1), intron variant (1).
Genome position (GRCh38, 1-based): chr1:5,978,278, A>G on the plus strand (T>C on the coding strand, the complement: NPHP4 is on the minus strand). VCF-style: chr1-5978278-A-G. GRCh37 (hg19) VCF-style: chr1-6038338-A-G.
Other names: c.-959T>C (NM_001291593.2); c.-1087-9019T>C (NM_001291594.2); short protein forms F91L.
Identifiers: ClinVar variation 196471 (VCV000196471.44), dbSNP rs201065230, ClinGen allele CA243432.

ClinVar aggregate classification (germline): Conflicting classifications of pathogenicity. Review status: criteria provided, conflicting classifications (1 of 4 stars). 14 submissions from 13 submitters: Uncertain significance (8); Likely benign (3). 3 of the submissions do not count toward it. Last evaluated 2026-09-01.

Conditions:
NPHP4-related disorder. Also called: NPHP4-related condition; NPHP4-related disorders. Identifiers: MedGen CN239384.
Nephronophthisis 4 (NPHP4). Also called: NEPHRONOPHTHISIS 4, JUVENILE. Identifiers: Orphanet 655, MedGen C1847013, MONDO:0011752, OMIM 606966.
Senior-Loken syndrome 4 (SLSN4). Identifiers: Orphanet 3156, MedGen C1846979, MONDO:0011756, OMIM 606996.
Nephronophthisis. Also called: Juvenile Nephronophthisis. Identifiers: Orphanet 655, MedGen C0687120, MONDO:0019005, HP:0000090.

Allele frequency attached by ClinVar (database versions not stated): gnomAD exomes 0.00090 and 0.00156; TOPMed 0.00090; gnomAD 0.00107 and 0.00109; ESP Exome Variant Server 0.00128; ExAC 0.00137.
gnomAD v4.1: 2,390 of 1,606,598 alleles (0.15%); highest among the groups gnomAD compares: Non-Finnish European, 0.19%; 4 homozygotes.

Submissions (14):

PreventionGenetics, part of Exact Sciences
Classification: Uncertain significance for NPHP4-related condition. Last evaluated: 2026-09-01. Review status: criteria provided, single submitter. Criteria: ACMG Guidelines, 2015. Collection method: clinical testing. Allele origin: germline.
Comment: The NPHP4 c.271T>C variant is predicted to result in the amino acid substitution p.Phe91Leu. This variant has been reported in the heterozygous state in at least two different individuals with nephronophthisis; however, a second NPHP4 variant was not detected in these individuals (Hoefele et al. 2005. PubMed ID: 15776426; Otto et al. 2010. PubMed ID: 21068128). This variant was also described in a large cohort of individuals with retinal or optic nerve disorders (Table S12, Dineiro et al. 2020. PubMed ID: 32483926) as well as in the compound heterozygous state in an individual with a suspected ciliopathy (Table S1, Stokman et al. 2018. PubMed ID: 29974258). This variant is present in 0.18% of alleles in individuals of European (Non-Finnish) descent in gnomAD, which is likely too common to be a primary cause of disease. Although we suspect that this variant may be benign, at this time, the clinical significance of this variant is uncertain due to the absence of conclusive functional and genetic evidence.

Labcorp Genetics (formerly Invitae), Labcorp
Classification: Likely benign for Nephronophthisis. Last evaluated: 2026-01-15. Review status: criteria provided, single submitter. Criteria: Invitae Variant Classification Sherloc (09022015). Collection method: clinical testing. Allele origin: germline.

Mayo Clinic Laboratories, Mayo Clinic
Classification: Uncertain significance. Last evaluated: 2025-06-23. Review status: criteria provided, single submitter. Criteria: ACMG Guidelines, 2015. Collection method: clinical testing. Allele origin: germline. Observed: 2 variant alleles.
Comment: BS1, PP3, PS3

GeneDx
Classification: Uncertain significance. Last evaluated: 2025-02-02. Review status: criteria provided, single submitter. Criteria: GeneDx Variant Classification Process June 2021. Collection method: clinical testing. Allele origin: germline. Affected: yes.
Comment: Reported in published literature as heterozygous in an individual with mesocardia and laterality defects (PMID: 22550138); Identified in the heterozygous state via multi-gene panel testing in a patient with nephronophthisis who was also found to have a second heterozygous missense variant, but phase was unknown (PMID: 29974258); Reported in published literature as heterozygous in a family with nephronophthisis and retinitis pigmentosa and in unrelated individuals with nephronophthisis; however, a second NPHP4 variant was not identified for these individuals (PMID: 15776426, 21068128); Published functional studies demonstrate a damaging effect: p.F91L (described as p.F83L) failed to rescue the foraging defect and affected localization of NPHP4 in C. elegans, and was concluded to be a hypomorphic variant (PMID: 21546380); In silico analysis indicates that this missense variant does not alter protein structure/function; This variant is associated with the following publications: (PMID: 23188109, 21068128, 36090483, 32483926, 22550138, 29974258, 21546380, 15776426)

CeGaT Center for Human Genetics Tuebingen
Classification: Likely benign. Last evaluated: 2025-02-01. Review status: criteria provided, single submitter. Criteria: CeGaT Center For Human Genetics Tuebingen Variant Classification Criteria Version 2. Collection method: clinical testing. Allele origin: germline. Affected: yes. Observed: 1 variant allele.
Comment: NPHP4: BS2

Blueprint Genetics
Classification: Likely benign. Last evaluated: 2024-11-26. Review status: criteria provided, single submitter. Criteria: ACMG Guidelines, 2015. Collection method: clinical testing. Allele origin: germline.

Fulgent Genetics
Classification: Uncertain significance for Nephronophthisis 4; Senior-Loken syndrome 4. Last evaluated: 2018-10-31. Review status: criteria provided, single submitter. Criteria: ACMG Guidelines, 2015. Collection method: clinical testing. Allele origin: unknown.

Eurofins Ntd Llc (ga)
Classification: Uncertain significance. Last evaluated: 2018-07-17. Review status: criteria provided, single submitter. Criteria: EGL ClinVar v180209 classification definitions. Collection method: clinical testing. Allele origin: germline. Observed: 9 variant alleles, 9 heterozygotes.

Illumina Laboratory Services, Illumina
Classification: Uncertain significance for Nephronophthisis 4. Last evaluated: 2017-04-27. Review status: criteria provided, single submitter. Criteria: ICSL Variant Classification Criteria 13 December 2019. Collection method: clinical testing. Allele origin: germline.
Comment: This variant was observed as part of a predisposition screen in an ostensibly healthy population. A literature search was performed for the gene, cDNA change, and amino acid change (where applicable). Publications were found based on this search. However, the evidence from the literature, in combination with allele frequency data from public databases where available, was not sufficient to rule this variant in or out of causing disease. Therefore, this variant is classified as a variant of unknown significance.

Illumina Laboratory Services, Illumina
Classification: Uncertain significance for Senior-Loken syndrome 4. Last evaluated: 2017-04-27. Review status: criteria provided, single submitter. Criteria: ICSL Variant Classification Criteria 13 December 2019. Collection method: clinical testing. Allele origin: germline.
Comment: the same text as in the submission from Illumina Laboratory Services, Illumina above.

Laboratory for Molecular Medicine, Mass General Brigham Personalized Medicine
Classification: Uncertain significance. Last evaluated: 2017-03-30. Review status: criteria provided, single submitter. Criteria: LMM Criteria. Collection method: clinical testing. Allele origin: germline. Observed: 1 variant allele.
Comment: The p.Phe91Leu (NM_015102.3 c.271T>C) variant in NPHP4 has been reported in 2 Ca ucasian individuals with Nephronophthisis and 1 individual with mesocardia, thou gh none with a second pathogenic variant on the other allele (Hoefele 2005, Otto 2011, and French 2012). This variant has also been reported in ClinVar (Variati on ID#16995440). This variant has been identified in 0.23% (95/41,774) of Europe an chromosomes by the Exome Aggregation Consortium (ExAC; dbSNP rs201065230). Although this variant has been seen in the general population, its frequency is not high enough to rule out a pathogenic role. Ani mal models in C. elegans suggest that this variant is may lead to partial loss o f function; however, it is unclear how this partial loss of function may lead to disease (Masyukova 2011). In summary, the clinical significance of the p.Phe91L eu variant is uncertain.

Clinical Genetics DNA and cytogenetics Diagnostics Lab, Erasmus MC, Erasmus Medical Center
Classification: Uncertain significance. Review status: no assertion criteria provided. Collection method: clinical testing. Allele origin: germline. Affected: yes. Study: VKGL Data-share Consensus. Not counted in ClinVar's aggregate classification.

Clinical Genetics, Academic Medical Center
Classification: Uncertain significance. Review status: no assertion criteria provided. Collection method: clinical testing. Allele origin: germline. Affected: yes. Study: VKGL Data-share Consensus. Not counted in ClinVar's aggregate classification.

Genome Diagnostics Laboratory, University Medical Center Utrecht
Classification: Uncertain significance. Review status: no assertion criteria provided. Collection method: clinical testing. Allele origin: germline. Affected: yes. Study: VKGL Data-share Consensus. Not counted in ClinVar's aggregate classification.

Literature cited by the submitters: PubMed 15776426 (cited by 4 submitters); PubMed 21068128 (cited by 3 submitters); PubMed 21546380 (cited by 3 submitters); PubMed 22550138 (cited by 3 submitters); PubMed 23188109 (cited by Mayo Clinic Laboratories, Mayo Clinic); PubMed 29974258 (cited by Mayo Clinic Laboratories, Mayo Clinic); PubMed 32483926 (cited by Mayo Clinic Laboratories, Mayo Clinic); PubMed 36090483 (cited by Mayo Clinic Laboratories, Mayo Clinic).